The following is an entry in ClinVar:

ClinVar aggregate classification (germline): Uncertain significance (1 of 4 stars; one submission).

Conditions:
BAP1-related tumor predisposition syndrome (TPDS1). Also called: COMMON Syndrome; TUMOR PREDISPOSITION SYNDROME 1; Tumor susceptibility linked to germline BAP1 mutations; BAP1 tumor predisposition syndrome. Identifiers: Orphanet 289539, MedGen C3280492, MONDO:0013692, OMIM 614327.

Submission:

Labcorp Genetics (formerly Invitae), Labcorp
Classification: Uncertain significance for BAP1-related tumor predisposition syndrome. Last evaluated: 2026-02-04. Review status: criteria provided, single submitter. Criteria: Invitae Variant Classification Sherloc (09022015). Collection method: clinical testing. Allele origin: germline.
Comment: This sequence change replaces histidine, which is basic and polar, with proline, which is neutral and non-polar, at codon 710 of the BAP1 protein (p.His710Pro). This variant is not present in population databases (gnomAD no frequency). This variant has not been reported in the literature in individuals affected with BAP1-related conditions. Invitae Evidence Modeling of protein sequence and biophysical properties (such as structural, functional, and spatial information, amino acid conservation, physicochemical variation, residue mobility, and thermodynamic stability) has been performed for this missense variant. However, the output from this modeling did not meet the statistical confidence thresholds required to predict the impact of this variant on BAP1 protein function. In summary, the available evidence is currently insufficient to determine the role of this variant in disease. Therefore, it has been classified as a Variant of Uncertain Significance.

NM_004656.4(BAP1):c.2129A>C (p.His710Pro)

Gene: BAP1 (BRCA1 associated deubiquitinase 1; minus strand). Cytogenetic location: 3p21.1.
Variant type: single nucleotide variant.
Coding change: c.2129A>C on transcript NM_004656.4 (MANE Select); coding-DNA position 2129, A replaced by C.
Protein change: p.His710Pro; replaces histidine 710 with proline.
Molecular consequence: missense variant.
Genome position (GRCh38, 1-based): chr3:52,402,349, T>G on the plus strand (A>C on the coding strand, the complement: BAP1 is on the minus strand). VCF-style: chr3-52402349-T-G. GRCh37 (hg19) VCF-style: chr3-52436365-T-G.
Other names: c.2075A>C, p.His692Pro (NM_001410772.1); short protein forms H692P, H710P.
Identifiers: ClinVar variation 4772816 (VCV004772816.1).
Genomic context (GRCh38, chr3:52,402,349, plus strand): 5'-CACTGGCGCTTGGCCTTGTAGGGGCGAGAGCGTTTCCGCCGGTCAGGCTTCCGCTGCTTG[T>G]GGAGCCGGCCGATGCTGACCCCTTGGCGCCGCCGCACGGAGATGTTCTGCTCCACTAGGT-3'
Protein context (NP_004647.1, residues 700-720): RRQGVSIGRL[His710Pro]KQRKPDRRKR